The following is an entry in ClinVar:

ClinVar aggregate classification (germline): Pathogenic/Likely pathogenic. Review status: criteria provided, multiple submitters, no conflicts (2 of 4 stars). 2 submissions from 2 submitters: Pathogenic (1); Likely pathogenic (1). Last evaluated 2025-05-25.

Conditions:
Baller-Gerold syndrome (BGS). Also called: CRANIOSYNOSTOSIS WITH RADIAL DEFECTS. Identifiers: Orphanet 1225, MedGen C0265308, MONDO:0009039, OMIM 218600.
Rapadilino syndrome. Identifiers: Orphanet 3021, MedGen C1849453, MONDO:0009955, OMIM 266280.
Rothmund-Thomson syndrome type 2 (RTS2). Identifiers: Orphanet 221016, MedGen C5203410, MONDO:0016369, OMIM 268400.

Allele frequency attached by ClinVar (database versions not stated): gnomAD 0.00005; TOPMed 0.00002.

Submissions (2):

Labcorp Genetics (formerly Invitae), Labcorp
Classification: Pathogenic for Baller-Gerold syndrome. Last evaluated: 2025-05-25. Review status: criteria provided, single submitter. Criteria: Invitae Variant Classification Sherloc (09022015). Collection method: clinical testing. Allele origin: germline.
Comment: This sequence change creates a premature translational stop signal (p.Gln884Serfs*64) in the RECQL4 gene. It is expected to result in an absent or disrupted protein product. Loss-of-function variants in RECQL4 are known to be pathogenic (PMID: 12734318, 12952869). This variant is not present in population databases (gnomAD no frequency). This variant has not been reported in the literature in individuals affected with RECQL4-related conditions. ClinVar contains an entry for this variant (Variation ID: 1074968). For these reasons, this variant has been classified as Pathogenic.

Fulgent Genetics
Classification: Likely pathogenic for Baller-Gerold syndrome; Rapadilino syndrome; Rothmund-Thomson syndrome type 2. Last evaluated: 2021-12-07. Review status: criteria provided, single submitter. Criteria: ACMG Guidelines, 2015. Collection method: clinical testing. Allele origin: unknown.

Literature cited by the submitters: PubMed 12734318 (cited by Labcorp Genetics (formerly Invitae), Labcorp); PubMed 12952869 (cited by Labcorp Genetics (formerly Invitae), Labcorp).

NM_004260.4(RECQL4):c.2650del (p.Gln884fs)

Gene: RECQL4 (RecQ like helicase 4; minus strand). Cytogenetic location: 8q24.3.
Variant type: Deletion.
Coding change: c.2650del on transcript NM_004260.4 (MANE Select); coding-DNA position 2650, one base deleted (C; older notation c.2650delC).
Protein change: p.Gln884fs; shifts the reading frame from glutamine 884.
Molecular consequence: frameshift variant.
Genome position (GRCh38, 1-based): chr8:144,512,952, G deleted on the plus strand (C on the coding strand, the reverse complement: RECQL4 is on the minus strand). VCF-style (leftmost placement, unchanged base first): chr8-144512951-TG-T. GRCh37 (hg19) VCF-style: chr8-145738334-TG-T.
Other names: short protein forms Q884fs.
Identifiers: ClinVar variation 1074968 (VCV001074968.4), dbSNP rs1203766600, ClinGen allele CA848893728.